The following is an entry in ClinVar:

ClinVar aggregate classification (germline): Likely pathogenic (1 of 4 stars; one submission).

Conditions:
Familial dysautonomia. Also called: HSAN III; FD. Identifiers: Orphanet 1764, MedGen C0013364, MONDO:0009131, OMIM 223900. Disease mechanism: loss of function.

Submission:

Natera, Inc.
Classification: Likely pathogenic for Familial dysautonomia. Last evaluated: 2025-06-20. Review status: criteria provided, single submitter. Criteria: Natera Variant Classification Schema (03/2026). Collection method: clinical testing. Allele origin: germline.
Comment: The c.3855+1G>A variant in ELP1 is a canonical splice donor site variant predicted to affect pre-mRNA splicing, which may result in an abnormal transcript and altered protein product. This variant is expected to result in nonsense mediated decay, truncation, or a dysfunctional protein product. This variant is rare in the general population with a frequency below the threshold expected for the associated phenotype(s). Given the available evidence, this variant is classified as Likely Pathogenic.

NM_003640.5(ELP1):c.3855+1G>A

Gene: ELP1 (elongator acetyltransferase complex subunit 1; minus strand). Cytogenetic location: 9q31.3.
Variant type: single nucleotide variant.
Coding change: c.3855+1G>A on transcript NM_003640.5 (MANE Select); the canonical splice donor site of the intron after coding-DNA position 3855, G replaced by A.
Molecular consequence: splice donor variant.
Genome position (GRCh38, 1-based): chr9:108,877,994, C>T on the plus strand (G>A on the coding strand, the complement: ELP1 is on the minus strand). VCF-style: chr9-108877994-C-T. GRCh37 (hg19) VCF-style: chr9-111640274-C-T.
Other names: c.3513+1G>A (NM_001318360.2); c.2808+1G>A (NM_001330749.2).
Identifiers: ClinVar variation 4815240 (VCV004815240.1).
Genomic context (GRCh38, chr9:108,877,994, plus strand): 5'-GTGAATACAATAACCCATGAAAATGATGAAAAAAATGCACACCGTCTCTGAGAAAACTTA[C>T]CGGGGTAGCTGAATTCTGCTGGTAAGTAAGAGTCCAAATTTCTGGAAGTGACCTTTCCAT-3'